The following is an entry in ClinVar:

ClinVar aggregate classification (germline): Uncertain significance. Review status: criteria provided, multiple submitters, no conflicts (2 of 4 stars). 2 submissions from 2 submitters: Uncertain significance (2). Last evaluated 2024-06-06.

Conditions:
Inborn genetic diseases. Identifiers: MedGen C0950123, MeSH D030342.

Allele frequency attached by ClinVar (database versions not stated): gnomAD exomes 0.00001; ExAC 0.00002; TOPMed 0.00002; gnomAD 0.00003 and 0.00004; ESP Exome Variant Server 0.00008.
gnomAD v4.1: 24 of 1,613,512 alleles (0.0015%); highest among the groups gnomAD compares: Admixed American, 0.0067%; no homozygotes.

Submissions (2):

Labcorp Genetics (formerly Invitae), Labcorp
Classification: Uncertain significance. Last evaluated: 2024-06-06. Review status: criteria provided, single submitter. Criteria: Invitae Variant Classification Sherloc (09022015). Collection method: clinical testing. Allele origin: germline.
Comment: This sequence change replaces glutamic acid, which is acidic and polar, with lysine, which is basic and polar, at codon 452 of the TTC37 protein (p.Glu452Lys). This variant is present in population databases (rs376532300, gnomAD 0.006%). This variant has not been reported in the literature in individuals affected with TTC37-related conditions. ClinVar contains an entry for this variant (Variation ID: 1390030). An algorithm developed to predict the effect of missense changes on protein structure and function (PolyPhen-2) suggests that this variant is likely to be disruptive. In summary, the available evidence is currently insufficient to determine the role of this variant in disease. Therefore, it has been classified as a Variant of Uncertain Significance.

Ambry Genetics
Classification: Uncertain significance for Inborn genetic diseases. Last evaluated: 2021-07-06. Review status: criteria provided, single submitter. Criteria: Ambry Variant Classification Scheme 2023. Collection method: clinical testing. Allele origin: germline.

NM_014639.4(SKIC3):c.1354G>A (p.Glu452Lys)

Gene: SKIC3 (SKI3 subunit of superkiller complex; minus strand). Cytogenetic location: 5q15.
Variant type: single nucleotide variant.
Coding change: c.1354G>A on transcript NM_014639.4 (MANE Select); coding-DNA position 1354, G replaced by A.
Protein change: p.Glu452Lys; replaces glutamic acid 452 with lysine.
Molecular consequence: missense variant.
Genome position (GRCh38, 1-based): chr5:95,524,563, C>T on the plus strand (G>A on the coding strand, the complement: SKIC3 is on the minus strand). VCF-style: chr5-95524563-C-T. GRCh37 (hg19) VCF-style: chr5-94860267-C-T.
Other names: c.1354G>A (NM_014639.3); short protein forms E452K.
Identifiers: ClinVar variation 1390030 (VCV001390030.5), dbSNP rs376532300, ClinGen allele CA3347344.
Genomic context (GRCh38, chr5:95,524,563, plus strand): 5'-TTGTCTCTTCACCCATGAACCAGTATGTTAATCCAAGTTGGTAATGATATTCTGCAACTT[C>T]GGTATCTTTCTCAAGAGCTCTCTGAAAACTAAGCCACCAAAGGGTAATAAAAAGAAATAG-3'
Protein context (NP_055454.1, residues 442-462): CFQRALEKDT[Glu452Lys]VAEYHYQLGL